The following is an entry in ClinVar:

ClinVar aggregate classification (germline): Likely pathogenic (1 of 4 stars; one submission).

Conditions:
D-Glyceric aciduria. Also called: Deficiency of glycerate kinase; GLYCERATE KINASE DEFICIENCY. Identifiers: Orphanet 941, MedGen C0342765, MONDO:0009070, OMIM 220120.

Submission:

Daryl Scott Lab, Baylor College of Medicine
Classification: Likely pathogenic for D-Glyceric aciduria. Last evaluated: 2025-08-25. Review status: criteria provided, single submitter. Criteria: ACMG Guidelines, 2015. Collection method: clinical testing. Allele origin: maternal. Affected: yes. Observed: 1 heterozygote.
Comment: PVS1, PM2

NM_145262.4(GLYCTK):c.615T>A (p.Arg205=)

Gene: GLYCTK (glycerate kinase; plus strand). Cytogenetic location: 3p21.2.
Variant type: single nucleotide variant.
Coding change: c.615T>A on transcript NM_145262.4 (MANE Select); coding-DNA position 615, T replaced by A.
Protein change: p.Arg205=; no amino-acid change (arginine 205 retained).
Molecular consequence: synonymous variant. On other transcripts: non-coding transcript variant (6), intron variant (2).
Genome position (GRCh38, 1-based): chr3:52,291,832, T>A. VCF-style: chr3-52291832-T-A. GRCh37 (hg19) VCF-style: chr3-52325848-T-A.
Other names: c.615T>A, p.Arg205= (NM_001437621.1); c.530-428T>A (NM_001144951.2, NM_001437622.1).
Identifiers: ClinVar variation 4533359 (VCV004533359.1).